The following is an entry in ClinVar:

NM_000256.3(MYBPC3):c.2360_2362dup (p.Ser787dup)

Gene: MYBPC3 (myosin binding protein C3; minus strand). Cytogenetic location: 11p11.2.
Variant type: Duplication.
Coding change: c.2360_2362dup on transcript NM_000256.3 (MANE Select); coding-DNA positions 2360 to 2362, 3 bases duplicated (CCT; older notation c.2360_2362dupCCT).
Protein change: p.Ser787dup; duplicates serine 787.
Molecular consequence: inframe insertion.
Genome position (GRCh38, 1-based): chr11:47,337,741-47,337,743, AGG duplicated on the plus strand (CCT on the coding strand, the reverse complement: MYBPC3 is on the minus strand); duplicating any 3 consecutive bases within chr11:47,337,741-47,337,745 gives the same sequence; the c. name uses the placement nearest the transcript's 3' end. VCF-style (leftmost placement, unchanged base first): chr11-47337740-C-CAGG. GRCh37 (hg19) VCF-style: chr11-47359291-C-CAGG.
Identifiers: ClinVar variation 920838 (VCV000920838.3), dbSNP rs2095883988, ClinGen allele CA913187726.

ClinVar aggregate classification (germline): Uncertain significance (1 of 4 stars; one submission).

Conditions:
Cardiomyopathy (CMYO). Also called: Cardiomyopathies. Identifiers: Orphanet 167848, MedGen C0878544, MONDO:0004994, HP:0001638. Inheritance: Various modes of inheritance.

Submission:

Color Diagnostics, LLC DBA Color Health
Classification: Uncertain significance for Cardiomyopathy. Last evaluated: 2018-12-11. Review status: criteria provided, single submitter. Criteria: ACMG Guidelines, 2015. Collection method: clinical testing. Allele origin: germline.
Comment: Variant of Uncertain Significance due to insufficient evidence: This variant cause a duplication of one amino acid in the fibronectin type 3 domain C6 of the MYBPC3 protein. Computational splicing tools suggest that this variant may not impact RNA splicing. To our knowledge, functional assays have not been performed for this variant nor has this variant been reported in individuals affected with cardiovascular disorders in the literature. This variant is rare in the general population and has been identified in 0/277264 chromosomes by the Genome Aggregation Database (gnomAD). Available evidence is insufficient to determine the pathogenicity of this variant conclusively.